The following is an entry in ClinVar:

NM_004329.3(BMPR1A):c.67+4A>G

Gene: BMPR1A (bone morphogenetic protein receptor type 1A; plus strand). Cytogenetic location: 10q23.2.
Variant type: single nucleotide variant.
Coding change: c.67+4A>G on transcript NM_004329.3 (MANE Select); 4 bases into the intron after coding-DNA position 67, A replaced by G.
Molecular consequence: intron variant.
Genome position (GRCh38, 1-based): chr10:86,876,089, A>G. VCF-style: chr10-86876089-A-G. GRCh37 (hg19) VCF-style: chr10-88635846-A-G.
Other names: c.67+4A>G (NM_001406562.1, NM_001406568.1, NM_001406567.1 and 23 more transcripts); c.-17-13973A>G (NM_001406584.1, NM_001406587.1, NM_001406585.1); c.-13+4A>G (NM_001406588.1); c.-12-13978A>G (NM_001406586.1).
Identifiers: ClinVar variation 4824029 (VCV004824029.1).

ClinVar aggregate classification (germline): Uncertain significance (1 of 4 stars; one submission).

Conditions:
Hereditary cancer-predisposing syndrome. Also called: Neoplastic Syndromes, Hereditary; Hereditary neoplastic syndrome; Tumor predisposition; Hereditary Cancer Syndrome. Identifiers: Orphanet 140162, MedGen C0027672, MeSH D009386, MONDO:0015356.

Submission:

Ambry Genetics
Classification: Uncertain significance for Hereditary cancer-predisposing syndrome. Last evaluated: 2026-02-19. Review status: criteria provided, single submitter. Criteria: Ambry Variant Classification Scheme 2023. Collection method: clinical testing. Allele origin: germline.
Comment: The c.67+4A>G intronic variant results from an A to G substitution 4 nucleotides after coding exon 1 in the BMPR1A gene. This nucleotide position is highly conserved in available vertebrate species. In silico splice site analysis predicts that this alteration may weaken the native splice donor site. Based on the available evidence, the clinical significance of this variant remains unclear.